The following is an entry in ClinVar:

NM_001999.4(FBN2):c.2384G>A (p.Cys795Tyr)

Gene: FBN2 (fibrillin 2; minus strand). Cytogenetic location: 5q23.3.
Variant type: single nucleotide variant.
Coding change: c.2384G>A on transcript NM_001999.4 (MANE Select); coding-DNA position 2384, G replaced by A.
Protein change: p.Cys795Tyr; replaces cysteine 795 with tyrosine.
Molecular consequence: missense variant.
Genome position (GRCh38, 1-based): chr5:128,364,644, C>T on the plus strand (G>A on the coding strand, the complement: FBN2 is on the minus strand). VCF-style: chr5-128364644-C-T. GRCh37 (hg19) VCF-style: chr5-127700337-C-T.
Other names: short protein forms C795Y.
Identifiers: ClinVar variation 945309 (VCV000945309.10), dbSNP rs1057524398, ClinGen allele CA360768295.

ClinVar aggregate classification (germline): Pathogenic (1 of 4 stars; one submission).

Conditions:
Congenital contractural arachnodactyly (CCA). Also called: BEALS SYNDROME; Arthrogryposis, distal, type 9; Beals-Hecht syndrome. Identifiers: Orphanet 115, MedGen C0220668, MONDO:0007363, OMIM 121050.

Submission:

Labcorp Genetics (formerly Invitae), Labcorp
Classification: Pathogenic for Congenital contractural arachnodactyly. Last evaluated: 2025-03-30. Review status: criteria provided, single submitter. Criteria: Invitae Variant Classification Sherloc (09022015). Collection method: clinical testing. Allele origin: germline.
Comment: This sequence change replaces cysteine, which is neutral and slightly polar, with tyrosine, which is neutral and polar, at codon 795 of the FBN2 protein (p.Cys795Tyr). This variant is not present in population databases (gnomAD no frequency). This missense change has been observed in individual(s) with congenital contractural arachnodactyly (PMID: 35360850; internal data). In at least one individual the variant was observed to be de novo. ClinVar contains an entry for this variant (Variation ID: 945309). Invitae Evidence Modeling of protein sequence and biophysical properties (such as structural, functional, and spatial information, amino acid conservation, physicochemical variation, residue mobility, and thermodynamic stability) indicates that this missense variant is expected to disrupt FBN2 protein function with a positive predictive value of 80%. For these reasons, this variant has been classified as Pathogenic.

Literature cited by the submitters: PubMed 35360850.